The following is an entry in ClinVar:

ClinVar aggregate classification (germline): Likely benign (0 of 4 stars; one submission).

Conditions:
PDE10A-related disorder. Also called: PDE10A-related condition.

Submission:

PreventionGenetics, part of Exact Sciences
Classification: Likely benign for PDE10A-related condition. Last evaluated: 2022-09-23. Review status: no assertion criteria provided. Collection method: clinical testing. Allele origin: germline.
Comment: This variant is classified as likely benign based on ACMG/AMP sequence variant interpretation guidelines (Richards et al. 2015 PMID: 25741868, with internal and published modifications).

NM_001385079.1(PDE10A):c.2361G>T (p.Arg787=)

Gene: PDE10A (phosphodiesterase 10A; minus strand). Cytogenetic location: 6q27.
Variant type: single nucleotide variant.
Coding change: c.2361G>T on transcript NM_001385079.1 (MANE Select); coding-DNA position 2361, G replaced by T.
Protein change: p.Arg787=; no amino-acid change (arginine 787 retained).
Molecular consequence: synonymous variant.
Genome position (GRCh38, 1-based): chr6:165,392,739, C>A on the plus strand (G>T on the coding strand, the complement: PDE10A is on the minus strand). VCF-style: chr6-165392739-C-A. GRCh37 (hg19) VCF-style: chr6-165806228-C-A.
Other names: c.1563G>T, p.Arg521= (NM_001130690.3); c.1533G>T, p.Arg511= (NM_006661.4).
Identifiers: ClinVar variation 3046675 (VCV003046675.2), dbSNP rs2533689494, ClinGen allele CA453052554.